The following is an entry in ClinVar:

ClinVar aggregate classification (germline): Conflicting classifications of pathogenicity. Review status: criteria provided, conflicting classifications (1 of 4 stars). 5 submissions from 5 submitters: Uncertain significance (2); Likely benign (3). Last evaluated 2026-01-28.

Conditions:
Aicardi-Goutieres syndrome 4. Identifiers: Orphanet 51, MedGen C1835912, MONDO:0012472, OMIM 610333.
RNASEH2A-related disorder. Also called: RNASEH2A-related condition.

Allele frequency attached by ClinVar (database versions not stated): gnomAD exomes 0.00006 and 0.00015; ExAC 0.00018; gnomAD 0.00076 and 0.00080; TOPMed 0.00076; ESP Exome Variant Server 0.00092; 1000 Genomes Project 30x 0.00094; 1000 Genomes Project 0.00100.
gnomAD v4.1: 210 of 1,613,982 alleles (0.013%); highest among the groups gnomAD compares: African/African-American, 0.23%; no homozygotes.

Submissions (5):

PreventionGenetics, part of Exact Sciences
Classification: Likely benign for RNASEH2A-related condition. Last evaluated: 2026-01-28. Review status: criteria provided, single submitter. Criteria: ACMG Guidelines, 2015. Collection method: clinical testing. Allele origin: germline.
Comment: This variant is classified as likely benign based on ACMG/AMP sequence variant interpretation guidelines (Richards et al. 2015 PMID: 25741868, with internal and published modifications).

Labcorp Genetics (formerly Invitae), Labcorp
Classification: Likely benign for Aicardi-Goutieres syndrome 4. Last evaluated: 2026-01-05. Review status: criteria provided, single submitter. Criteria: Invitae Variant Classification Sherloc (09022015). Collection method: clinical testing. Allele origin: germline.

Blueprint Genetics
Classification: Likely benign. Last evaluated: 2024-07-04. Review status: criteria provided, single submitter. Criteria: ACMG Guidelines, 2015. Collection method: clinical testing. Allele origin: germline.

Revvity Omics, Revvity
Classification: Uncertain significance for Aicardi-Goutieres syndrome 4. Last evaluated: 2019-01-16. Review status: criteria provided, single submitter. Criteria: ACMG Guidelines, 2015. Collection method: clinical testing. Allele origin: germline.

Illumina Laboratory Services, Illumina
Classification: Uncertain significance for Aicardi-Goutieres syndrome 4. Last evaluated: 2018-01-12. Review status: criteria provided, single submitter. Criteria: ICSL Variant Classification Criteria 13 December 2019. Collection method: clinical testing. Allele origin: germline.

NM_006397.3(RNASEH2A):c.758T>C (p.Ile253Thr)

Gene: RNASEH2A (ribonuclease H2 subunit A; plus strand). Cytogenetic location: 19p13.13.
Variant type: single nucleotide variant.
Coding change: c.758T>C on transcript NM_006397.3 (MANE Select); coding-DNA position 758, T replaced by C.
Protein change: p.Ile253Thr; replaces isoleucine 253 with threonine.
Molecular consequence: missense variant.
Genome position (GRCh38, 1-based): chr19:12,813,203, T>C. VCF-style: chr19-12813203-T-C. GRCh37 (hg19) VCF-style: chr19-12924017-T-C.
Other names: short protein forms I253T.
Identifiers: ClinVar variation 328295 (VCV000328295.20), dbSNP rs145662304, ClinGen allele CA9232024.